The following is an entry in ClinVar:

NC_012920.1(MT-ND6):m.14297A>G

Gene: MT-ND6 (mitochondrially encoded NADH dehydrogenase 6; minus strand).
Variant type: single nucleotide variant.
Genome position: chrM-14297-A-G.
Identifiers: ClinVar variation 693704 (VCV000693704.1), dbSNP rs1603224655, ClinGen allele CA414821815.

ClinVar aggregate classification (germline): Uncertain significance (1 of 4 stars; one submission).

Conditions:
Leigh syndrome (NULS). Also called: Leigh's necrotizing encephalopathy; Leigh's disease; Leigh's syndrome; LEIGH SYNDROME, NUCLEAR; Leigh Syndrome (mtDNA deletion); Leigh Disease. Identifiers: Orphanet 506, MedGen C2931891, MONDO:0009723, OMIM 256000.

Submission:

Wong Mito Lab, Molecular and Human Genetics, Baylor College of Medicine
Classification: Uncertain significance for Leigh syndrome. Last evaluated: 2019-10-17. Review status: criteria provided, single submitter. Criteria: Modified ACMG Guidelines (Unpublished). Collection method: clinical testing. Allele origin: germline.
Comment: The NC_012920.1:m.14297A>G (YP_003024037.1:p.Ile126Thr) variant in MTND6 gene is interpretated to be a Uncertain Significance variant based on the modified ACMG guidelines (unpublished). This variant meets the following evidence codes: PP7, BP5